The following is an entry in ClinVar:

NM_001258392.3(CLPB):c.2021G>T (p.Cys674Phe)

Gene: CLPB (ClpB family mitochondrial disaggregase; minus strand). Cytogenetic location: 11q13.4.
Variant type: single nucleotide variant.
Coding change: c.2021G>T on transcript NM_001258392.3 (MANE Select); coding-DNA position 2021, G replaced by T.
Protein change: p.Cys674Phe; replaces cysteine 674 with phenylalanine.
Molecular consequence: missense variant.
Genome position (GRCh38, 1-based): chr11:72,293,380, C>A on the plus strand (G>T on the coding strand, the complement: CLPB is on the minus strand). VCF-style: chr11-72293380-C-A. GRCh37 (hg19) VCF-style: chr11-72004424-C-A.
Other names: c.1934G>T, p.Cys645Phe (NM_001258393.3); c.1976G>T, p.Cys659Phe (NM_001258394.3); c.2111G>T, p.Cys704Phe (NM_030813.6); short protein forms C645F, C659F, C674F, C704F.
Identifiers: ClinVar variation 1054101 (VCV001054101.9), dbSNP rs372096809, ClinGen allele CA381722599.
Genomic context (GRCh38, chr11:72,293,380, plus strand): 5'-GGGCCTTTATTGGATGGTGAGGGCACATAGGAGCAGGCAGGTGGCTGCTAGATGGTGTTG[C>A]ACACCTTCTCAGGGTGCAGTGGTGCCCGGATGTCCAGTCTGCGAGTCTTGCTGTCCTTGT-3'
Protein context (NP_001245321.1, residues 664-677): IRAPLHPEKV[Cys674Phe]NTI

ClinVar aggregate classification (germline): Uncertain significance (1 of 4 stars; one submission).

Conditions:
3-methylglutaconic aciduria, type VIIB (MGCA7B). Also called: 3-methylglutaconic aciduria, type VII, with cataracts, neurologic involvement and neutropenia; 3-methylglutaconic aciduria with cataracts, neurologic involvement and neutropenia; CLPB Deficiency. Identifiers: Orphanet 445038, MedGen C5676893, MONDO:0014561, OMIM 616271.

Submission:

Labcorp Genetics (formerly Invitae), Labcorp
Classification: Uncertain significance for 3-methylglutaconic aciduria, type VIIB. Last evaluated: 2020-08-26. Review status: criteria provided, single submitter. Criteria: Invitae Variant Classification Sherloc (09022015). Collection method: clinical testing. Allele origin: germline.
Comment: Algorithms developed to predict the effect of missense changes on protein structure and function are either unavailable or do not agree on the potential impact of this missense change (SIFT: "Deleterious"; PolyPhen-2: "Benign"; Align-GVGD: "Class C0"). This sequence change replaces cysteine with phenylalanine at codon 704 of the CLPB protein (p.Cys704Phe). The cysteine residue is moderately conserved and there is a large physicochemical difference between cysteine and phenylalanine. This variant is not present in population databases (ExAC no frequency). This variant has not been reported in the literature in individuals with CLPB-related conditions. In summary, the available evidence is currently insufficient to determine the role of this variant in disease. Therefore, it has been classified as a Variant of Uncertain Significance.